The following is an entry in ClinVar:

NM_006231.4(POLE):c.5542C>T (p.Leu1848Phe)

Gene: POLE (DNA polymerase epsilon, catalytic subunit; minus strand). Cytogenetic location: 12q24.33.
Variant type: single nucleotide variant.
Coding change: c.5542C>T on transcript NM_006231.4 (MANE Select); coding-DNA position 5542, C replaced by T.
Protein change: p.Leu1848Phe; replaces leucine 1848 with phenylalanine.
Molecular consequence: missense variant.
Genome position (GRCh38, 1-based): chr12:132,639,135, G>A on the plus strand (C>T on the coding strand, the complement: POLE is on the minus strand). VCF-style: chr12-132639135-G-A. GRCh37 (hg19) VCF-style: chr12-133215721-G-A.
Other names: c.5542C>T (NM_006231.2); short protein forms L1848F.
Identifiers: ClinVar variation 473738 (VCV000473738.11), dbSNP rs201001790, ClinGen allele CA6892498.

ClinVar aggregate classification (germline): Conflicting classifications of pathogenicity. Review status: criteria provided, conflicting classifications (1 of 4 stars). 2 submissions from 2 submitters: Uncertain significance (1); Likely benign (1). Last evaluated 2025-12-08.

Conditions:
Hereditary cancer-predisposing syndrome. Also called: Neoplastic Syndromes, Hereditary; Tumor predisposition; Hereditary Cancer Syndrome; Hereditary neoplastic syndrome. Identifiers: Orphanet 140162, MedGen C0027672, MeSH D009386, MONDO:0015356.

Allele frequency attached by ClinVar (database versions not stated): ExAC 0.00012; gnomAD 0.00013.
gnomAD v4.1: 100 of 1,613,976 alleles (0.0062%); highest among the groups gnomAD compares: Non-Finnish European, 0.00085%; 1 homozygote.

Submissions (2):

Labcorp Genetics (formerly Invitae), Labcorp
Classification: Likely benign. Last evaluated: 2025-12-08. Review status: criteria provided, single submitter. Criteria: Invitae Variant Classification Sherloc (09022015). Collection method: clinical testing. Allele origin: germline.

Ambry Genetics
Classification: Uncertain significance for Hereditary cancer-predisposing syndrome. Last evaluated: 2024-10-17. Review status: criteria provided, single submitter. Criteria: Ambry Variant Classification Scheme 2023. Collection method: clinical testing. Allele origin: germline.
Comment: The p.L1848F variant (also known as c.5542C>T), located in coding exon 40 of the POLE gene, results from a C to T substitution at nucleotide position 5542. The leucine at codon 1848 is replaced by phenylalanine, an amino acid with highly similar properties. This amino acid position is well conserved in available vertebrate species. In addition, this alteration is predicted to be tolerated by in silico analysis. Based on the available evidence, the clinical significance of this variant remains unclear.